The following is an entry in ClinVar:

NM_005585.5(SMAD6):c.1_5del (p.Met1fs)

Gene: SMAD6 (SMAD family member 6; plus strand). Cytogenetic location: 15q22.31.
Variant type: Deletion.
Coding change: c.1_5del on transcript NM_005585.5 (MANE Select); coding-DNA positions 1 to 5, 5 bases deleted (ATGTT; older notation c.1_5delATGTT).
Protein change: p.Met1fs; shifts the reading frame from methionine 1.
Molecular consequence: frameshift variant, initiator codon variant. On other transcripts: non-coding transcript variant (1).
Genome position (GRCh38, 1-based): chr15:66,703,259-66,703,263, ATGTT deleted; deleting any 5 consecutive bases within chr15:66,703,258-66,703,263 gives the same sequence; the c. name uses the placement nearest the transcript's 3' end. VCF-style (leftmost placement, unchanged base first): chr15-66703257-GTATGT-G. GRCh37 (hg19) VCF-style: chr15-66995595-GTATGT-G.
Other names: short protein forms M1fs.
Identifiers: ClinVar variation 2630703 (VCV002630703.1), dbSNP rs2545310135, ClinGen allele CA2695197293.

ClinVar aggregate classification (germline): Uncertain significance (1 of 4 stars; one submission).

Conditions:
SMAD6-related disease. Also called: SMAD6-related condition; SMAD6-related disorder. Identifiers: MedGen CN381596, MONDO:0700324.

Submission:

PreventionGenetics, part of Exact Sciences
Classification: Uncertain significance for SMAD6-related condition. Last evaluated: 2023-09-14. Review status: criteria provided, single submitter. Criteria: ACMG Guidelines, 2015. Collection method: clinical testing. Allele origin: germline.
Comment: The SMAD6 c.1_5del5 variant is predicted to disrupt the translation initiation site (Start Loss). To our knowledge, this variant has not been reported in the literature or in a large population database, indicating this variant is rare. Of note, different start loss variants have been reported in individuals with craniosynostosis or radioulnar synostosis (p.Met1Arg at Timberlake et al. 2017. PubMed ID: 28808027; p.Met1Thr at Shen et al. 2022. PubMed ID: 34953066). At this time, the clinical significance of the c.1_5del variant found in this patient is uncertain due to the absence of conclusive functional and genetic evidence.